The following is an entry in ClinVar:

NM_001077350.3(NPRL3):c.242G>A (p.Gly81Asp)

Genes: HBA-LCR (alpha-globin locus control region; plus strand), NPRL3 (NPR3 like, GATOR1 complex subunit; minus strand). Cytogenetic location: 16p13.3.
Variant type: single nucleotide variant.
Coding change: c.242G>A on transcript NM_001077350.3 (MANE Select); coding-DNA position 242, G replaced by A.
Protein change: p.Gly81Asp; replaces glycine 81 with aspartic acid.
Molecular consequence: missense variant. On other transcripts: intron variant (1).
Genome position (GRCh38, 1-based): chr16:119,202, C>T on the plus strand (G>A on the coding strand, the complement: NPRL3 is on the minus strand). VCF-style: chr16-119202-C-T. GRCh37 (hg19) VCF-style: chr16-169201-C-T.
Other names: c.8G>A, p.Gly3Asp (NM_001243247.2); c.242G>A, p.Gly81Asp (NM_001243248.2, NM_001243249.2); c.-144-6427G>A (NM_001039476.3); short protein forms G81D, G3D.
Identifiers: ClinVar variation 2761100 (VCV002761100.3), dbSNP rs2542869845, ClinGen allele CA393995438.

ClinVar aggregate classification (germline): Uncertain significance (1 of 4 stars; one submission).

Conditions:
Epilepsy, familial focal, with variable foci 3 (FFEVF3). Identifiers: MedGen C4310708, MONDO:0014925, OMIM 617118.

Submission:

Labcorp Genetics (formerly Invitae), Labcorp
Classification: Uncertain significance for Epilepsy, familial focal, with variable foci 3. Last evaluated: 2023-07-16. Review status: criteria provided, single submitter. Criteria: Invitae Variant Classification Sherloc (09022015). Collection method: clinical testing. Allele origin: germline.
Comment: This sequence change replaces glycine, which is neutral and non-polar, with aspartic acid, which is acidic and polar, at codon 81 of the NPRL3 protein (p.Gly81Asp). This variant is not present in population databases (gnomAD no frequency). In summary, the available evidence is currently insufficient to determine the role of this variant in disease. Therefore, it has been classified as a Variant of Uncertain Significance. Advanced modeling of protein sequence and biophysical properties (such as structural, functional, and spatial information, amino acid conservation, physicochemical variation, residue mobility, and thermodynamic stability) performed at Invitae indicates that this missense variant is not expected to disrupt NPRL3 protein function. This variant has not been reported in the literature in individuals affected with NPRL3-related conditions.